The following is an entry in ClinVar:

NM_002529.4(NTRK1):c.952A>G (p.Asn318Asp)

Gene: NTRK1 (neurotrophic receptor tyrosine kinase 1; plus strand). Cytogenetic location: 1q23.1.
Variant type: single nucleotide variant.
Coding change: c.952A>G on transcript NM_002529.4 (MANE Select); coding-DNA position 952, A replaced by G.
Protein change: p.Asn318Asp; replaces asparagine 318 with aspartic acid.
Molecular consequence: missense variant.
Genome position (GRCh38, 1-based): chr1:156,873,734, A>G. VCF-style: chr1-156873734-A-G. GRCh37 (hg19) VCF-style: chr1-156843526-A-G.
Other names: c.952A>G, p.Asn318Asp (NM_001007204.1, NM_001012331.2); c.862A>G, p.Asn288Asp (NM_001007792.1); short protein forms N288D, N318D.
Identifiers: ClinVar variation 1981390 (VCV001981390.2), dbSNP rs1295643709, ClinGen allele CA342935849.
Genomic context (GRCh38, chr1:156,873,734, plus strand): 5'-CACTGGTGCATCCCCTTCTCTGTGGATGGGCAGCCGGCACCGTCTCTGCGCTGGCTCTTC[A>G]ATGGCTCCGTGCTCAATGAGACCAGCTTCATCTTCACTGAGTTCCTGGAGCCGGCAGCCA-3'
Protein context (NP_002520.2, residues 308-328): QPAPSLRWLF[Asn318Asp]GSVLNETSFI

ClinVar aggregate classification (germline): Uncertain significance. Review status: criteria provided, multiple submitters, no conflicts (2 of 4 stars). 2 submissions from 2 submitters: Uncertain significance (2). Last evaluated 2024-08-11.

Conditions:
Inborn genetic diseases. Identifiers: MedGen C0950123, MeSH D030342.
Hereditary insensitivity to pain with anhidrosis (CIPA). Also called: INSENSITIVITY TO PAIN, CONGENITAL, WITH ANHIDROSIS; NEUROPATHY, CONGENITAL SENSORY, WITH ANHIDROSIS; NTRK1 Congenital Insensitivity to Pain with Anhidrosis; hereditary sensory and autonomic neuropathy type 4; FAMILIAL DYSAUTONOMIA, TYPE II; HSAN Type IV. Identifiers: Orphanet 642, MedGen C0020074, MONDO:0009746, OMIM 256800.

Allele frequency attached by ClinVar (database versions not stated): TOPMed below 0.00001; gnomAD 0.00001; gnomAD exomes 0.00003.
gnomAD v4.1: 43 of 1,612,898 alleles (0.0027%); highest among the groups gnomAD compares: Non-Finnish European, 0.0036%; no homozygotes.

Submissions (2):

Ambry Genetics
Classification: Uncertain significance for Inborn genetic diseases. Last evaluated: 2024-08-11. Review status: criteria provided, single submitter. Criteria: Ambry Variant Classification Scheme 2023. Collection method: clinical testing. Allele origin: germline.

Labcorp Genetics (formerly Invitae), Labcorp
Classification: Uncertain significance for Hereditary insensitivity to pain with anhidrosis. Last evaluated: 2022-03-20. Review status: criteria provided, single submitter. Criteria: Invitae Variant Classification Sherloc (09022015). Collection method: clinical testing. Allele origin: germline.
Comment: This sequence change replaces asparagine, which is neutral and polar, with aspartic acid, which is acidic and polar, at codon 318 of the NTRK1 protein (p.Asn318Asp). This variant is not present in population databases (gnomAD no frequency). This variant has not been reported in the literature in individuals affected with NTRK1-related conditions. Advanced modeling of protein sequence and biophysical properties (such as structural, functional, and spatial information, amino acid conservation, physicochemical variation, residue mobility, and thermodynamic stability) performed at Invitae indicates that this missense variant is not expected to disrupt NTRK1 protein function. In summary, the available evidence is currently insufficient to determine the role of this variant in disease. Therefore, it has been classified as a Variant of Uncertain Significance.